The following is an entry in ClinVar:

ClinVar aggregate classification (germline): Uncertain significance. Review status: criteria provided, multiple submitters, no conflicts (2 of 4 stars). 2 submissions from 2 submitters: Uncertain significance (2). Last evaluated 2023-12-15.

Conditions:
Leber congenital amaurosis 5 (LCA5). Also called: Amaurosis congenita of Leber, type 5. Identifiers: Orphanet 65, MedGen C1858301, MONDO:0011473, OMIM 604537.

Submissions (2):

Blueprint Genetics
Classification: Uncertain significance. Last evaluated: 2023-12-15. Review status: criteria provided, single submitter. Criteria: ACMG Guidelines, 2015. Collection method: clinical testing. Allele origin: germline.

Genetics Laboratory, Department of Biology, Semnan University
Classification: Uncertain significance for Leber congenital amaurosis 5. Last evaluated: 2018-12-12. Review status: criteria provided, single submitter. Criteria: ACMG Guidelines, 2015. Collection method: research. Allele origin: germline. Inheritance: Autosomal recessive inheritance. Affected: yes. Observed: 1 variant allele, 1 homozygote.
Comment: The identified variant leads to the substitution of Glutamic acid 3 with Lysine (E3K) in the LCA5 protein. Hence, this substitution could alter the amino acid sequence and could leads to a decreased function of mutated protein.

Literature cited by the submitters: DOI 10.1002/humu.9513 (cited by Genetics Laboratory, Department of Biology, Semnan University).

NM_001122769.3(LCA5):c.7G>A (p.Glu3Lys)

Gene: LCA5 (lebercilin LCA5; minus strand). Cytogenetic location: 6q14.1.
Variant type: single nucleotide variant.
Coding change: c.7G>A on transcript NM_001122769.3 (MANE Select); coding-DNA position 7, G replaced by A.
Protein change: p.Glu3Lys; replaces glutamic acid 3 with lysine.
Molecular consequence: missense variant.
Genome position (GRCh38, 1-based): chr6:79,518,888, C>T on the plus strand (G>A on the coding strand, the complement: LCA5 is on the minus strand). VCF-style: chr6-79518888-C-T. GRCh37 (hg19) VCF-style: chr6-80228605-C-T.
Other names: c.7G>A, p.Glu3Lys (NM_181714.4); short protein forms E3K.
Identifiers: ClinVar variation 4886873 (VCV004886873.2).